The following is an entry in ClinVar:

NM_002979.5(SCP2):c.906A>G (p.Ile302Met)

Gene: SCP2 (sterol carrier protein 2; plus strand). Cytogenetic location: 1p32.3.
Variant type: single nucleotide variant.
Coding change: c.906A>G on transcript NM_002979.5 (MANE Select); coding-DNA position 906, A replaced by G.
Protein change: p.Ile302Met; replaces isoleucine 302 with methionine.
Molecular consequence: missense variant.
Genome position (GRCh38, 1-based): chr1:52,980,476, A>G. VCF-style: chr1-52980476-A-G. GRCh37 (hg19) VCF-style: chr1-53446148-A-G.
Other names: c.774A>G, p.Ile258Met (NM_001007098.3, NM_001193600.2); c.834A>G, p.Ile278Met (NM_001193599.2); c.663A>G, p.Ile221Met (NM_001193617.2); c.906A>G, p.Ile302Met (NM_001330587.2); c.906A>G (NM_002979.4); short protein forms I302M, I278M, I221M, I258M.
Identifiers: ClinVar variation 1437752 (VCV001437752.9), dbSNP rs967380317, ClinGen allele CA22581614.

ClinVar aggregate classification (germline): Uncertain significance. Review status: criteria provided, multiple submitters, no conflicts (2 of 4 stars). 2 submissions from 2 submitters: Uncertain significance (2). Last evaluated 2023-12-22.

Allele frequency attached by ClinVar (database versions not stated): gnomAD exomes below 0.00001; gnomAD 0.00001; TOPMed 0.00004.
gnomAD v4.1: 4 of 1,613,888 alleles (0.00025%); highest among the groups gnomAD compares: Admixed American, 0.005%; no homozygotes.

Submissions (2):

Ambry Genetics
Classification: Uncertain significance. Last evaluated: 2023-12-22. Review status: criteria provided, single submitter. Criteria: Ambry Variant Classification Scheme 2023. Collection method: clinical testing. Allele origin: germline.

Labcorp Genetics (formerly Invitae), Labcorp
Classification: Uncertain significance. Last evaluated: 2023-12-11. Review status: criteria provided, single submitter. Criteria: Invitae Variant Classification Sherloc (09022015). Collection method: clinical testing. Allele origin: germline.
Comment: This sequence change replaces isoleucine, which is neutral and non-polar, with methionine, which is neutral and non-polar, at codon 302 of the SCP2 protein (p.Ile302Met). The frequency data for this variant in the population databases is considered unreliable, as metrics indicate poor data quality at this position in the gnomAD database. This variant has not been reported in the literature in individuals affected with SCP2-related conditions. ClinVar contains an entry for this variant (Variation ID: 1437752). An algorithm developed to predict the effect of missense changes on protein structure and function (PolyPhen-2) suggests that this variant is likely to be disruptive. In summary, the available evidence is currently insufficient to determine the role of this variant in disease. Therefore, it has been classified as a Variant of Uncertain Significance.